The following is an entry in ClinVar:

NC_000005.9:g.(?_60170432)_(60217992_?)del

Gene: ERCC8 (ERCC excision repair 8, CSA ubiquitin ligase complex subunit; minus strand). Cytogenetic location: 5q12.1.
Variant type: Deletion.
Identifiers: ClinVar variation 1074548 (VCV001074548.1).

ClinVar aggregate classification (germline): Pathogenic (1 of 4 stars; one submission).

Submission:

Labcorp Genetics (formerly Invitae), Labcorp
Classification: Pathogenic. Last evaluated: 2020-09-02. Review status: criteria provided, single submitter. Criteria: Invitae Variant Classification Sherloc (09022015). Collection method: clinical testing. Allele origin: germline.
Comment: This variant is a gross deletion of the genomic region encompassing exon(s) 3-12 of the ERCC8 gene. The 5' boundary is likely confined to intron 2. The 3' end of this event is unknown as it extends through the termination codon beyond the assayed region for this gene and may encompass additional genes. While this deletion is not anticipated to result in nonsense mediated decay, it is expected to create a truncated protein product or disrupt mRNA translation. This variant has not been reported in the literature in individuals with ERCC8-related conditions. The region of the ERCC8 gene that includes exon(s) 5-11 has been determined to be clinically significant (Invitae). Therefore, deletions that encompass that region are likely to disrupt protein function and cause disease. For these reasons, this variant has been classified as Pathogenic.